The following is an entry in ClinVar:

ClinVar aggregate classification (germline): Pathogenic (1 of 4 stars; one submission).

Submission:

GeneDx
Classification: Pathogenic. Last evaluated: 2017-11-22. Review status: criteria provided, single submitter. Criteria: GeneDx Variant Classification (06012015). Collection method: clinical testing. Allele origin: germline. Affected: yes.
Comment: The p.G2043W substitution in the COL7A1 gene has been reported previously as a pathogenic variantand is the same position as the most common recurrent autosomal dominant COL7A1 variant (G2043R)in DDEB patients (Varki et al 2006). The p.G2043W variant was not observed in approximately 6500individuals of European and African American ancestry in the NHLBI Exome Sequencing Project,indicating it is not a common benign variant in these populations. The p.G2043W variant is a semi-conservative amino acid substitution, which may impact secondary protein structure as these residues differ in some properties. This substitution occurs at a position that is conserved across species. In silico analysis predicts this substitution is probably damaging to the protein structure/function as it occurs at the first Glycine position of the canonical Gly-X-Y repeat in the collagenous domain of the COLVII protein. Glycine substitution variants in this region of the collagen VII protein will destabilize the collagen triplehelix resulting in anchoring fibrils that are unstable and result in poor anchoring off the basementmembrane to the underlying dermis. Missense variants at the same residue (G2043R, G2043E) andnearby residues (G2031S, G2037R) have been reported in the Human Gene Mutation Database inassociation with DEB (Stenson et al., 2009), supporting the functional importance of this region of theprotein. We interpret G2043W in COL7A1 as a pathogenic variant.

NM_000094.4(COL7A1):c.6127G>T (p.Gly2043Trp)

Gene: COL7A1 (collagen type VII alpha 1 chain; minus strand). Cytogenetic location: 3p21.31.
Variant type: single nucleotide variant.
Coding change: c.6127G>T on transcript NM_000094.4 (MANE Select); coding-DNA position 6127, G replaced by T.
Protein change: p.Gly2043Trp; replaces glycine 2043 with tryptophan.
Molecular consequence: missense variant.
Genome position (GRCh38, 1-based): chr3:48,575,392, C>A on the plus strand (G>T on the coding strand, the complement: COL7A1 is on the minus strand). VCF-style: chr3-48575392-C-A. GRCh37 (hg19) VCF-style: chr3-48612825-C-A.
Other names: short protein forms G2043W.
Identifiers: ClinVar variation 419628 (VCV000419628.2), dbSNP rs121912836, ClinGen allele CA16617983.